The following is an entry in ClinVar:

NM_203447.4(DOCK8):c.6179T>C (p.Met2060Thr)

Gene: DOCK8 (dedicator of cytokinesis 8; plus strand). Cytogenetic location: 9p24.3.
Variant type: single nucleotide variant.
Coding change: c.6179T>C on transcript NM_203447.4 (MANE Select); coding-DNA position 6179, T replaced by C.
Protein change: p.Met2060Thr; replaces methionine 2060 with threonine.
Molecular consequence: missense variant.
Genome position (GRCh38, 1-based): chr9:463,627, T>C. VCF-style: chr9-463627-T-C. GRCh37 (hg19) VCF-style: chr9-463627-T-C.
Other names: c.5879T>C, p.Met1960Thr (NM_001190458.2); c.5975T>C, p.Met1992Thr (NM_001193536.2); short protein forms M1960T, M2060T, M1992T.
Identifiers: ClinVar variation 970767 (VCV000970767.6), dbSNP rs760306916, ClinGen allele CA4959703.

ClinVar aggregate classification (germline): Uncertain significance (1 of 4 stars; one submission).

Allele frequency attached by ClinVar (database versions not stated): ExAC 0.00003; gnomAD exomes 0.00003 and 0.00007; gnomAD 0.00005; TOPMed 0.00009.
gnomAD v4.1: 28 of 1,613,638 alleles (0.0017%); highest among the groups gnomAD compares: Admixed American, 0.03%; no homozygotes.

Submission:

Labcorp Genetics (formerly Invitae), Labcorp
Classification: Uncertain significance for Combined immunodeficiency due to DOCK8 deficiency. Last evaluated: 2024-08-08. Review status: criteria provided, single submitter. Criteria: Invitae Variant Classification Sherloc (09022015). Collection method: clinical testing. Allele origin: germline.
Comment: This sequence change replaces methionine, which is neutral and non-polar, with threonine, which is neutral and polar, at codon 2060 of the DOCK8 protein (p.Met2060Thr). This variant is present in population databases (rs760306916, gnomAD 0.04%). This variant has not been reported in the literature in individuals affected with DOCK8-related conditions. ClinVar contains an entry for this variant (Variation ID: 970767). Advanced modeling of protein sequence and biophysical properties (such as structural, functional, and spatial information, amino acid conservation, physicochemical variation, residue mobility, and thermodynamic stability) has been performed at Invitae for this missense variant, however the output from this modeling did not meet the statistical confidence thresholds required to predict the impact of this variant on DOCK8 protein function. In summary, the available evidence is currently insufficient to determine the role of this variant in disease. Therefore, it has been classified as a Variant of Uncertain Significance.